The following is an entry in ClinVar:

NM_001369369.1(FOXN1):c.1234C>G (p.Pro412Ala)

Gene: FOXN1 (forkhead box N1; plus strand). Cytogenetic location: 17q11.2.
Variant type: single nucleotide variant.
Coding change: c.1234C>G on transcript NM_001369369.1 (MANE Select); coding-DNA position 1234, C replaced by G.
Protein change: p.Pro412Ala; replaces proline 412 with alanine.
Molecular consequence: missense variant.
Genome position (GRCh38, 1-based): chr17:28,534,805, C>G. VCF-style: chr17-28534805-C-G. GRCh37 (hg19) VCF-style: chr17-26861823-C-G.
Other names: c.1234C>G, p.Pro412Ala (NM_003593.3); short protein forms P412A.
Identifiers: ClinVar variation 2128827 (VCV002128827.4), dbSNP rs751774826, ClinGen allele CA8459480.
Genomic context (GRCh38, chr17:28,534,805, plus strand): 5'-CTGGGCTCCCCACTCCTGGGCTGTCCGCCCCCTGGGCTGTCCGGCTCAGGCCCCATCCGG[C>G]CCCTGGCACCCCCAGCTGGCCTCTCCCCACCACTGCACTCACTCCACCCAGCTCCAGGCC-3'
Protein context (NP_001356298.1, residues 402-422): PGLSGSGPIR[Pro412Ala]LAPPAGLSPP

ClinVar aggregate classification (germline): Uncertain significance (1 of 4 stars; one submission).

Conditions:
T-cell immunodeficiency, congenital alopecia, and nail dystrophy. Also called: Congenital alopecia and nail dystrophy associated with severe functional T-cell immunodeficiency; Pignata Guarino syndrome. Identifiers: Orphanet 169095, MedGen C1866426, MONDO:0011132, OMIM 601705.

Allele frequency attached by ClinVar (database versions not stated): gnomAD exomes below 0.00001; ExAC 0.00002; gnomAD 0.00002; TOPMed 0.00002.

Submission:

Labcorp Genetics (formerly Invitae), Labcorp
Classification: Uncertain significance for T-cell immunodeficiency, congenital alopecia, and nail dystrophy. Last evaluated: 2024-08-13. Review status: criteria provided, single submitter. Criteria: Invitae Variant Classification Sherloc (09022015). Collection method: clinical testing. Allele origin: germline.
Comment: This sequence change replaces proline, which is neutral and non-polar, with alanine, which is neutral and non-polar, at codon 412 of the FOXN1 protein (p.Pro412Ala). This variant is present in population databases (rs751774826, gnomAD 0.003%). This variant has not been reported in the literature in individuals affected with FOXN1-related conditions. ClinVar contains an entry for this variant (Variation ID: 2128827). Advanced modeling of protein sequence and biophysical properties (such as structural, functional, and spatial information, amino acid conservation, physicochemical variation, residue mobility, and thermodynamic stability) performed at Invitae indicates that this missense variant is not expected to disrupt FOXN1 protein function with a negative predictive value of 80%. In summary, the available evidence is currently insufficient to determine the role of this variant in disease. Therefore, it has been classified as a Variant of Uncertain Significance.